The following is an entry in ClinVar:

NM_003000.3(SDHB):c.279C>A (p.Cys93Ter)

Gene: SDHB (succinate dehydrogenase complex iron sulfur subunit B; minus strand). Cytogenetic location: 1p36.13.
Variant type: single nucleotide variant.
Coding change: c.279C>A on transcript NM_003000.3 (MANE Select); coding-DNA position 279, C replaced by A.
Protein change: p.Cys93Ter; replaces cysteine 93 with a stop codon.
Molecular consequence: nonsense.
Genome position (GRCh38, 1-based): chr1:17,033,067, G>T on the plus strand (C>A on the coding strand, the complement: SDHB is on the minus strand). VCF-style: chr1-17033067-G-T. GRCh37 (hg19) VCF-style: chr1-17359562-G-T.
Other names: c.279C>A, p.Cys93Ter (NM_001407361.1); short protein forms C93*.
Identifiers: ClinVar variation 4844160 (VCV004844160.1).

ClinVar aggregate classification (germline): Pathogenic (1 of 4 stars; one submission).

Conditions:
Hereditary cancer-predisposing syndrome. Also called: Neoplastic Syndromes, Hereditary; Tumor predisposition; Hereditary Cancer Syndrome; Hereditary neoplastic syndrome. Identifiers: Orphanet 140162, MedGen C0027672, MeSH D009386, MONDO:0015356.

Submission:

Ambry Genetics
Classification: Pathogenic for Hereditary cancer-predisposing syndrome. Last evaluated: 2026-01-29. Review status: criteria provided, single submitter. Criteria: Ambry Variant Classification Scheme 2023. Collection method: clinical testing. Allele origin: germline.
Comment: The p.C93* pathogenic mutation (also known as c.279C>A), located in coding exon 3 of the SDHB gene, results from a C to A substitution at nucleotide position 279. This changes the amino acid from a cysteine to a stop codon within coding exon 3. This variant is considered to be rare based on population cohorts in the Genome Aggregation Database (gnomAD). This alteration is expected to result in loss of function by premature protein truncation or nonsense-mediated mRNA decay. As such, this alteration is interpreted as a disease-causing mutation.